The following is an entry in ClinVar:

ClinVar aggregate classification (germline): Uncertain significance (1 of 4 stars; one submission).

Allele frequency attached by ClinVar (database versions not stated): gnomAD exomes 0.00004; ESP Exome Variant Server 0.00016; ExAC 0.00018; TOPMed 0.00019; gnomAD 0.00022; 1000 Genomes Project 0.00060; 1000 Genomes Project 30x 0.00062.

Submission:

CeGaT Center for Human Genetics Tuebingen
Classification: Uncertain significance. Last evaluated: 2023-12-01. Review status: criteria provided, single submitter. Criteria: CeGaT Center For Human Genetics Tuebingen Variant Classification Criteria Version 2. Collection method: clinical testing. Allele origin: germline. Affected: yes. Observed: 1 variant allele.
Comment: AMH: PM2, PP3

NM_000479.5(AMH):c.227T>C (p.Leu76Pro)

Gene: AMH (anti-Mullerian hormone; plus strand). Cytogenetic location: 19p13.3.
Variant type: single nucleotide variant.
Coding change: c.227T>C on transcript NM_000479.5 (MANE Select); coding-DNA position 227, T replaced by C.
Protein change: p.Leu76Pro; replaces leucine 76 with proline.
Molecular consequence: missense variant.
Genome position (GRCh38, 1-based): chr19:2,249,559, T>C. VCF-style: chr19-2249559-T-C. GRCh37 (hg19) VCF-style: chr19-2249558-T-C.
Other names: short protein forms L76P.
Identifiers: ClinVar variation 3025536 (VCV003025536.22), dbSNP rs199615794, ClinGen allele CA9062769.